The following is an entry in ClinVar:

NM_001267550.2(TTN):c.107826G>A (p.Gln35942=)

Genes: TTN (titin; minus strand), TTN-AS1 (TTN antisense RNA 1; plus strand). Cytogenetic location: 2q31.2.
Variant type: single nucleotide variant.
Coding change: c.107826G>A on transcript NM_001267550.2 (MANE Select); coding-DNA position 107826, G replaced by A.
Protein change: p.Gln35942=; no amino-acid change (glutamine 35942 retained).
Molecular consequence: synonymous variant.
Genome position (GRCh38, 1-based): chr2:178,527,162, C>T on the plus strand (G>A on the coding strand, the complement: TTN is on the minus strand). VCF-style: chr2-178527162-C-T. GRCh37 (hg19) VCF-style: chr2-179391889-C-T.
Other names: c.102903G>A, p.Gln34301= (NM_001256850.1); c.80631G>A, p.Gln26877= (NM_003319.4); c.100122G>A, p.Gln33374= (NM_133378.4); c.81006G>A, p.Gln27002= (NM_133432.3); c.81207G>A, p.Gln27069= (NM_133437.4).
Identifiers: ClinVar variation 3388288 (VCV003388288.14).

ClinVar aggregate classification (germline): Likely benign (1 of 4 stars; one submission).

gnomAD v4.1: 8 of 1,613,976 alleles (0.0005%); highest among the groups gnomAD compares: South Asian, 0.0044%; no homozygotes.

Submission:

CeGaT Center for Human Genetics Tuebingen
Classification: Likely benign. Last evaluated: 2024-11-01. Review status: criteria provided, single submitter. Criteria: CeGaT Center For Human Genetics Tuebingen Variant Classification Criteria Version 2. Collection method: clinical testing. Allele origin: germline. Affected: yes. Observed: 1 variant allele.
Comment: TTN: BP4, BP7